The following is an entry in ClinVar:

NM_001081.4(CUBN):c.4964C>G (p.Pro1655Arg)

Gene: CUBN (cubilin; minus strand). Cytogenetic location: 10p13.
Variant type: single nucleotide variant.
Coding change: c.4964C>G on transcript NM_001081.4 (MANE Select); coding-DNA position 4964, C replaced by G.
Protein change: p.Pro1655Arg; replaces proline 1655 with arginine.
Molecular consequence: missense variant.
Genome position (GRCh38, 1-based): chr10:16,952,281, G>C on the plus strand (C>G on the coding strand, the complement: CUBN is on the minus strand). VCF-style: chr10-16952281-G-C. GRCh37 (hg19) VCF-style: chr10-16994280-G-C.
Other names: short protein forms P1655R.
Identifiers: ClinVar variation 299475 (VCV000299475.16), dbSNP rs532968940, ClinGen allele CA5424204.

ClinVar aggregate classification (germline): Uncertain significance. Review status: criteria provided, multiple submitters, no conflicts (2 of 4 stars). 7 submissions from 7 submitters: Uncertain significance (6). 1 of the submissions does not count toward it. Last evaluated 2026-06-24.

Conditions:
Inborn genetic diseases. Identifiers: MedGen C0950123, MeSH D030342.
Proteinuria, chronic benign. Identifiers: MedGen C5394384, MONDO:0030042, OMIM 618884.
Imerslund-Grasbeck syndrome type 1 (IGS1). Also called: Megaloblastic anemia 1, Finnish type; MEGALOBLASTIC ANEMIA, 1; Imerslund-Gräsbeck syndrome 1. Identifiers: MedGen C4016819, MONDO:0100156, OMIM 261100.
CUBN-related disorder. Also called: CUBN-related condition.
Imerslund-Grasbeck syndrome. Also called: ENTEROCYTE COBALAMIN MALABSORPTION; ENTEROCYTE INTRINSIC FACTOR RECEPTOR, DEFECT OF; PERNICIOUS ANEMIA, JUVENILE, DUE TO SELECTIVE INTESTINAL MALABSORPTION OF VITAMIN B12, WITH PROTEINURIA; Megaloblastic anemia due to inborn errors of metabolism; Imerslund-Gräsbeck syndrome. Identifiers: Orphanet 35858, MedGen C4551825, MONDO:0009853.

Allele frequency attached by ClinVar (database versions not stated): gnomAD 0.00005 and 0.00007; TOPMed 0.00007; gnomAD exomes 0.00021; ExAC 0.00024; 1000 Genomes Project 30x 0.00031; 1000 Genomes Project 0.00040.
gnomAD v4.1: 207 of 1,610,080 alleles (0.013%); highest among the groups gnomAD compares: Middle Eastern, 0.33%; 1 homozygote.

Submissions (7):

PreventionGenetics, part of Exact Sciences
Classification: Uncertain significance for CUBN-related condition. Last evaluated: 2026-06-24. Review status: criteria provided, single submitter. Criteria: ACMG Guidelines, 2015. Collection method: clinical testing. Allele origin: germline.
Comment: The CUBN c.4964C>G variant is predicted to result in the amino acid substitution p.Pro1655Arg. This variant was reported in an individual with haematopoiesis and immune system disorder (Table S1, Schmidt et al. 2024. PubMed ID: 39039281). This variant is reported in 0.098% of alleles in individuals of South Asian descent in gnomAD. At this time, the clinical significance of this variant is uncertain due to the absence of conclusive functional and genetic evidence.

Labcorp Genetics (formerly Invitae), Labcorp
Classification: Uncertain significance for Imerslund-Grasbeck syndrome. Last evaluated: 2025-11-10. Review status: criteria provided, single submitter. Criteria: Invitae Variant Classification Sherloc (09022015). Collection method: clinical testing. Allele origin: germline.
Comment: This sequence change replaces proline, which is neutral and non-polar, with arginine, which is basic and polar, at codon 1655 of the CUBN protein (p.Pro1655Arg). This variant is present in population databases (rs532968940, gnomAD 0.1%). This missense change has been observed in individual(s) with clinical features of CUBN-related conditions (PMID: 39039281). ClinVar contains an entry for this variant (Variation ID: 299475). Invitae Evidence Modeling of protein sequence and biophysical properties (such as structural, functional, and spatial information, amino acid conservation, physicochemical variation, residue mobility, and thermodynamic stability) indicates that this missense variant is not expected to disrupt CUBN protein function with a negative predictive value of 80%. In summary, the available evidence is currently insufficient to determine the role of this variant in disease. Therefore, it has been classified as a Variant of Uncertain Significance.

Ambry Genetics
Classification: Uncertain significance for Inborn genetic diseases. Last evaluated: 2025-08-09. Review status: criteria provided, single submitter. Criteria: Ambry Variant Classification Scheme 2023. Collection method: clinical testing. Allele origin: germline.

Blueprint Genetics
Classification: Uncertain significance. Last evaluated: 2024-07-30. Review status: criteria provided, single submitter. Criteria: ACMG Guidelines, 2015. Collection method: clinical testing. Allele origin: germline.

Fulgent Genetics
Classification: Uncertain significance for Imerslund-Grasbeck syndrome type 1; Proteinuria, chronic benign. Last evaluated: 2022-03-23. Review status: criteria provided, single submitter. Criteria: ACMG Guidelines, 2015. Collection method: clinical testing. Allele origin: unknown.

Illumina Laboratory Services, Illumina
Classification: Uncertain significance for Imerslund-Grasbeck syndrome type 1. Last evaluated: 2018-01-12. Review status: criteria provided, single submitter. Criteria: ICSL Variant Classification Criteria 13 December 2019. Collection method: clinical testing. Allele origin: germline.

Bioscientia Institut fuer Medizinische Diagnostik GmbH, Sonic Healthcare
Classification: Uncertain significance for Imerslund-Grasbeck syndrome type 1. Last evaluated: 2018-11-07. Review status: no assertion criteria provided. Collection method: clinical testing. Allele origin: germline. Affected: yes. Not counted in ClinVar's aggregate classification.

Literature cited by the submitters: PubMed 39039281 (cited by Labcorp Genetics (formerly Invitae), Labcorp).